The following is an entry in ClinVar:

NM_000465.4(BARD1):c.277C>A (p.Gln93Lys)

Gene: BARD1 (BRCA1 associated RING domain 1; minus strand). Cytogenetic location: 2q35.
Variant type: single nucleotide variant.
Coding change: c.277C>A on transcript NM_000465.4 (MANE Select); coding-DNA position 277, C replaced by A.
Protein change: p.Gln93Lys; replaces glutamine 93 with lysine.
Molecular consequence: missense variant. On other transcripts: non-coding transcript variant (1), intron variant (2).
Genome position (GRCh38, 1-based): chr2:214,792,384, G>T on the plus strand (C>A on the coding strand, the complement: BARD1 is on the minus strand). VCF-style: chr2-214792384-G-T. GRCh37 (hg19) VCF-style: chr2-215657108-G-T.
Other names: c.277C>A (NM_000465.2); c.220C>A, p.Gln74Lys (NM_001282543.2); c.277C>A, p.Gln93Lys (NM_001282549.2); c.158+17028C>A (NM_001282548.2); c.215+4677C>A (NM_001282545.2); short protein forms Q74K, Q93K.
Identifiers: ClinVar variation 1213832 (VCV001213832.9), dbSNP rs876658571, ClinGen allele CA350461100.

ClinVar aggregate classification (germline): Uncertain significance. Review status: criteria provided, multiple submitters, no conflicts (2 of 4 stars). 4 submissions from 4 submitters: Uncertain significance (4). Last evaluated 2025-12-17.

Conditions:
Hereditary cancer-predisposing syndrome. Also called: Neoplastic Syndromes, Hereditary; Tumor predisposition; Hereditary Cancer Syndrome; Hereditary neoplastic syndrome. Identifiers: Orphanet 140162, MedGen C0027672, MeSH D009386, MONDO:0015356.
Hereditary breast ovarian cancer syndrome. Also called: BRCA1- and BRCA2-Associated Hereditary Breast and Ovarian Cancer; Hereditary breast and ovarian cancer; Breast and ovarian cancer; Hereditary breast and/or ovarian cancer syndrome; Hereditary breast and ovarian cancer syndrome; Hereditary breast and ovarian cancer syndrome (HBOC). Identifiers: Orphanet 145, MedGen C0677776, MeSH D061325, MONDO:0003582. Disease mechanism: loss of function.
Familial cancer of breast. Also called: hereditary breast carcinoma; BREAST CANCER, FAMILIAL; Hereditary breast cancer. Identifiers: Orphanet 227535, MedGen C0346153, MONDO:0016419, OMIM 114480. Disease mechanism: loss of function.

Submissions (4):

Ambry Genetics
Classification: Uncertain significance for Hereditary cancer-predisposing syndrome. Last evaluated: 2025-12-17. Review status: criteria provided, single submitter. Criteria: Ambry Variant Classification Scheme 2023. Collection method: clinical testing. Allele origin: germline.
Comment: The p.Q93K variant (also known as c.277C>A), located in coding exon 3 of the BARD1 gene, results from a C to A substitution at nucleotide position 277. The glutamine at codon 93 is replaced by lysine, an amino acid with similar properties. This amino acid position is not well conserved in available vertebrate species. In addition, this alteration is predicted to be tolerated by in silico analysis. Based on the available evidence, the clinical significance of this alteration remains unclear.

Labcorp Genetics (formerly Invitae), Labcorp
Classification: Uncertain significance for Familial cancer of breast. Last evaluated: 2024-06-19. Review status: criteria provided, single submitter. Criteria: Invitae Variant Classification Sherloc (09022015). Collection method: clinical testing. Allele origin: germline.
Comment: This sequence change replaces glutamine, which is neutral and polar, with lysine, which is basic and polar, at codon 93 of the BARD1 protein (p.Gln93Lys). This variant is not present in population databases (gnomAD no frequency). This variant has not been reported in the literature in individuals affected with BARD1-related conditions. ClinVar contains an entry for this variant (Variation ID: 1213832). An algorithm developed to predict the effect of missense changes on protein structure and function (PolyPhen-2) suggests that this variant is likely to be tolerated. In summary, the available evidence is currently insufficient to determine the role of this variant in disease. Therefore, it has been classified as a Variant of Uncertain Significance.

Baylor Genetics
Classification: Uncertain significance for Familial cancer of breast. Last evaluated: 2023-05-01. Review status: criteria provided, single submitter. Criteria: ACMG Guidelines, 2015. Collection method: clinical testing. Allele origin: unknown.

Genomics Laboratory, Virgen de la Arrixaca University Clinical Hospital
Classification: Uncertain significance for Hereditary breast ovarian cancer syndrome. Review status: criteria provided, single submitter. Criteria: ACMG Guidelines, 2015. Collection method: clinical testing. Allele origin: unknown. Inheritance: Autosomal dominant inheritance. Affected: yes.